The following is an entry in ClinVar:

NM_000257.4(MYH7):c.1368C>A (p.Phe456Leu)

Gene: MYH7 (myosin heavy chain 7; minus strand). Cytogenetic location: 14q11.2.
Variant type: single nucleotide variant.
Coding change: c.1368C>A on transcript NM_000257.4 (MANE Select); coding-DNA position 1368, C replaced by A.
Protein change: p.Phe456Leu; replaces phenylalanine 456 with leucine.
Molecular consequence: missense variant.
Genome position (GRCh38, 1-based): chr14:23,428,994, G>T on the plus strand (C>A on the coding strand, the complement: MYH7 is on the minus strand). VCF-style: chr14-23428994-G-T. GRCh37 (hg19) VCF-style: chr14-23898203-G-T.
Other names: c.1368C>A, p.Phe456Leu (NM_001407004.1); c.1368C>A (NM_000257.3); short protein forms F456L.
Identifiers: ClinVar variation 3361186 (VCV003361186.2).

ClinVar aggregate classification (germline): Uncertain significance. Review status: criteria provided, multiple submitters, no conflicts (2 of 4 stars). 2 submissions from 2 submitters: Uncertain significance (2). Last evaluated 2026-03-27.

Conditions:
Cardiovascular phenotype. Identifiers: MedGen CN230736.

Submissions (2):

Molecular Diagnostic Laboratory for Inherited Cardiovascular Disease, Montreal Heart Institute
Classification: Uncertain significance for Cardiovascular phenotype. Last evaluated: 2026-03-27. Review status: criteria provided, single submitter. Criteria: ACMG Guidelines, 2015. Collection method: clinical testing. Allele origin: germline. Affected: yes.
Comment: PM1, PM2, PP3

GeneDx
Classification: Uncertain significance. Last evaluated: 2023-07-14. Review status: criteria provided, single submitter. Criteria: GeneDx Variant Classification Process June 2021. Collection method: clinical testing. Allele origin: germline. Affected: yes.
Comment: Has not been previously published as pathogenic or benign to our knowledge; Not observed at significant frequency in large population cohorts (gnomAD); In silico analysis supports that this missense variant has a deleterious effect on protein structure/function; This variant is associated with the following publications: (PMID: 27532257, 29300372)